The following is an entry in ClinVar:

NM_000026.4(ADSL):c.315T>G (p.Ile105Met)

Gene: ADSL (adenylosuccinate lyase; plus strand). Cytogenetic location: 22q13.1.
Variant type: single nucleotide variant.
Coding change: c.315T>G on transcript NM_000026.4 (MANE Select); coding-DNA position 315, T replaced by G.
Protein change: p.Ile105Met; replaces isoleucine 105 with methionine.
Molecular consequence: missense variant. On other transcripts: non-coding transcript variant (1).
Genome position (GRCh38, 1-based): chr22:40,349,993, T>G. VCF-style: chr22-40349993-T-G. GRCh37 (hg19) VCF-style: chr22-40745997-T-G.
Other names: c.315T>G, p.Ile105Met (NM_001123378.3, NM_001363840.3, NM_001410812.1 and 2 more transcripts); c.123T>G, p.Ile41Met (NM_001317923.2); short protein forms I105M, I41M.
Identifiers: ClinVar variation 4292548 (VCV004292548.1).

ClinVar aggregate classification (germline): Uncertain significance (1 of 4 stars; one submission).

Conditions:
Adenylosuccinate lyase deficiency (ADSLD). Also called: ADSL DEFICIENCY. Identifiers: Orphanet 46, MedGen C0268126, MONDO:0007068, OMIM 103050.

Submission:

3billion
Classification: Uncertain significance for Adenylosuccinate lyase deficiency. Last evaluated: 2024-09-11. Review status: criteria provided, single submitter. Criteria: ACMG Guidelines, 2015. Collection method: clinical testing. Allele origin: germline. Affected: yes.
Comment: The variant is not observed in the gnomAD v4.0.0 dataset. Predicted Consequence/Location: Missense variant. Predicted to alter splicing and produce an abnormal transcript. In silico tool predictions suggest damaging effect of the variant on gene or gene product [REVEL: 0.73 (>=0.6, sensitivity 0.68 and specificity 0.92); 3Cnet: 0.82 (>=0.6, sensitivity 0.72 and precision 0.9)]. In silico tools predict the variant to alter splicing and produce an abnormal transcript [SpliceAI: 0.49 (>=0.2, moderate evidence for spliceogenicity)]. Therefore, this variant is classified as VUS according to the recommendation of ACMG/AMP guideline.